The following is an entry in ClinVar:

NM_000138.5(FBN1):c.1570dup (p.Thr524fs)

Gene: FBN1 (fibrillin 1; minus strand). Cytogenetic location: 15q21.1.
Variant type: Duplication.
Coding change: c.1570dup on transcript NM_000138.5 (MANE Select); coding-DNA position 1570, one base duplicated (A; older notation c.1570dupA).
Protein change: p.Thr524fs; shifts the reading frame from threonine 524.
Molecular consequence: frameshift variant.
Genome position (GRCh38, 1-based): chr15:48,513,567, T duplicated on the plus strand (A on the coding strand, the reverse complement: FBN1 is on the minus strand). VCF-style (leftmost placement, unchanged base first): chr15-48513566-G-GT. GRCh37 (hg19) VCF-style: chr15-48805763-G-GT.
Other names: c.1570dupA (NM_000138.4); short protein forms T524fs.
Identifiers: ClinVar variation 431982 (VCV000431982.15), dbSNP rs1555400274, ClinGen allele CA645373009.

ClinVar aggregate classification (germline): Pathogenic. Review status: criteria provided, multiple submitters, no conflicts (2 of 4 stars). 5 submissions from 5 submitters: Pathogenic (5). Last evaluated 2024-11-04.

Conditions:
Marfan syndrome (MFS). Also called: MARFAN SYNDROME, TYPE I; FBN1-Related Marfan Syndrome; Marfan syndrome type 1; Marfan's syndrome; Marfan syndrome, classic. Identifiers: Orphanet 284963, Orphanet 558, MedGen C0024796, MONDO:0007947, OMIM 154700.
Familial thoracic aortic aneurysm and aortic dissection (TAAD). Also called: Thoracic aortic aneurysms and dissections. Identifiers: Orphanet 91387, MedGen C4707243, MONDO:0019625.

Submissions (5):

ARUP Laboratories, Molecular Genetics and Genomics, ARUP Laboratories
Classification: Pathogenic. Last evaluated: 2024-11-04. Review status: criteria provided, single submitter. Criteria: ARUP Molecular Germline Variant Investigation Process 2024. Collection method: clinical testing. Allele origin: germline.
Comment: The FBN1 c.1570dup; p.Thr524AsnfsTer9 variant (rs1555400274, ClinVar Variation ID: 431982) is reported in the literature in at least two individuals diagnosed with Marfan syndrome (Renner 2019, Stheneur 2009). This variant is also absent from the Genome Aggregation Database (v2.1.1), indicating it is not a common polymorphism. This variant causes a frameshift by duplicating a single nucleotide, so it is predicted to result in a truncated protein or mRNA subject to nonsense-mediated decay. Based on available information, this variant is classified as pathogenic. References: Renner S et al. Next-generation sequencing of 32 genes associated with hereditary aortopathies and related disorders of connective tissue in a cohort of 199 patients. Genet Med. 2019 Aug;21(8):1832-1841. PMID: 30675029. Stheneur C et al. Identification of the minimal combination of clinical features in probands for efficient mutation detection in the FBN1 gene. Eur J Hum Genet. 2009 Sep;17(9):1121-8. PMID: 19293843.

Labcorp Genetics (formerly Invitae), Labcorp
Classification: Pathogenic for Marfan syndrome; Familial thoracic aortic aneurysm and aortic dissection. Last evaluated: 2023-12-01. Review status: criteria provided, single submitter. Criteria: Invitae Variant Classification Sherloc (09022015). Collection method: clinical testing. Allele origin: germline.
Comment: This sequence change creates a premature translational stop signal (p.Thr524Asnfs*9) in the FBN1 gene. It is expected to result in an absent or disrupted protein product. Loss-of-function variants in FBN1 are known to be pathogenic (PMID: 17657824, 19293843). This variant is not present in population databases (gnomAD no frequency). This premature translational stop signal has been observed in individual(s) with Marfan syndrome (PMID: 19293843). ClinVar contains an entry for this variant (Variation ID: 431982). For these reasons, this variant has been classified as Pathogenic.

GeneDx
Classification: Pathogenic. Last evaluated: 2021-12-01. Review status: criteria provided, single submitter. Criteria: GeneDx Variant Classification Process June 2021. Collection method: clinical testing. Allele origin: germline. Affected: yes.
Comment: Not observed at significant frequency in large population cohorts (Lek et al., 2016); Frameshift variant predicted to result in protein truncation or nonsense mediated decay in a gene for which loss-of-function is a known mechanism of disease; This variant is associated with the following publications: (PMID: 26582918, 19293843, 30675029)

Institute of Human Genetics, University Medical Center Hamburg-Eppendorf
Classification: Pathogenic for Marfan syndrome. Last evaluated: 2018-11-20. Review status: criteria provided, single submitter. Criteria: ACMG Guidelines, 2015. Collection method: clinical testing. Allele origin: unknown. Inheritance: Autosomal dominant inheritance. Affected: yes.

Juno Genomics, Hangzhou Juno Genomics, Inc
Classification: Pathogenic for Marfan syndrome. Review status: criteria provided, single submitter. Criteria: ACMG Guidelines, 2015. Collection method: clinical testing. Allele origin: germline. Affected: yes.
Comment: Absent from controls (or at extremely low frequency if recessive) in Genome Aggregation Database, Exome Sequencing Project, 1000 Genomes Project, or Exome Aggregation Consortium.;Null variant in a gene where loss of function (LOF) is a known mechanism of disease.;The prevalence of the variant in affected individuals is significantly increased compared to the prevalence in controls.;Patient's phenotype or family history is highly specific for a disease with a single genetic etiology.;Assumed de novo, but without confirmation of paternity and maternity.

Literature cited by the submitters: PubMed 17657824 (cited by Labcorp Genetics (formerly Invitae), Labcorp); PubMed 19293843 (cited by Labcorp Genetics (formerly Invitae), Labcorp); PubMed 30675029 (cited by Institute of Human Genetics, University Medical Center Hamburg-Eppendorf).